The following is an entry in ClinVar:

NM_000478.6(ALPL):c.791A>G (p.Lys264Arg)

Gene: ALPL (alkaline phosphatase, biomineralization associated; plus strand). Cytogenetic location: 1p36.12.
Variant type: single nucleotide variant.
Coding change: c.791A>G on transcript NM_000478.6 (MANE Select); coding-DNA position 791, A replaced by G.
Protein change: p.Lys264Arg; replaces lysine 264 with arginine.
Molecular consequence: missense variant.
Genome position (GRCh38, 1-based): chr1:21,568,246, A>G. VCF-style: chr1-21568246-A-G. GRCh37 (hg19) VCF-style: chr1-21894739-A-G.
Other names: c.626A>G, p.Lys209Arg (NM_001127501.4); c.560A>G, p.Lys187Arg (NM_001177520.3); c.791A>G, p.Lys264Arg (NM_001369803.2, NM_001369804.2, NM_001369805.2); short protein forms K264R, K187R, K209R.
Identifiers: ClinVar variation 188750 (VCV000188750.18), dbSNP rs786204442, ClinGen allele CA273908.

ClinVar aggregate classification (germline): Pathogenic/Likely pathogenic. Review status: criteria provided, multiple submitters, no conflicts (2 of 4 stars). 6 submissions from 6 submitters: Pathogenic (1); Likely pathogenic (4). 1 of the submissions does not count toward it. Last evaluated 2026-02-04.

Conditions:
Adult hypophosphatasia. Identifiers: Orphanet 247676, Orphanet 436, MedGen C0268413, MONDO:1010154, OMIM 146300, MONDO:0007798.
Childhood hypophosphatasia. Identifiers: Orphanet 247667, Orphanet 436, MedGen C0220743, MONDO:1010168, OMIM 241510, MONDO:0009428.
Infantile hypophosphatasia. Identifiers: Orphanet 247651, Orphanet 436, MedGen C0268412, MONDO:1010169, OMIM 241500, MONDO:0009427.
Hypophosphatasia. Also called: Phosphoethanol-aminuria. Identifiers: Orphanet 436, MedGen C0020630, MeSH D007014, MONDO:0018570.

Allele frequency attached by ClinVar (database versions not stated): gnomAD exomes below 0.00001; gnomAD 0.00001; TOPMed 0.00001.
gnomAD v4.1: 6 of 1,613,930 alleles (0.00037%); highest among the groups gnomAD compares: Non-Finnish European, 0.000085%; no homozygotes.

Submissions (6):

Labcorp Genetics (formerly Invitae), Labcorp
Classification: Pathogenic. Last evaluated: 2026-02-04. Review status: criteria provided, single submitter. Criteria: Invitae Variant Classification Sherloc (09022015). Collection method: clinical testing. Allele origin: germline.
Comment: This sequence change replaces lysine, which is basic and polar, with arginine, which is basic and polar, at codon 264 of the ALPL protein (p.Lys264Arg). RNA analysis indicates that this missense change induces altered splicing and likely results in a shortened protein product. This variant is present in population databases (rs786204442, gnomAD 0.3%). This missense change has been observed in individual(s) with autosomal recessive hypophosphatasia (PMID: 17922851). In at least one individual the data is consistent with being in trans (on the opposite chromosome) from a pathogenic variant. ClinVar contains an entry for this variant (Variation ID: 188750). An algorithm developed to predict the effect of missense changes on protein structure and function (PolyPhen-2) suggests that this variant is likely to be disruptive. Studies have shown that this missense change results in skipping of exon 7, but is expected to preserve the integrity of the reading-frame (PMID: 17922851). For these reasons, this variant has been classified as Pathogenic.

Genomenon, Inc
Classification: Likely pathogenic for Hypophosphatasia. Last evaluated: 2025-08-29. Review status: criteria provided, single submitter. Criteria: Genomenon Sequence Variant Interpretation Standards. Collection method: curation. Allele origin: germline. Affected: yes.
Comment: ALPL c.791A>G is a missense variant that changes the amino acid at residue 264 from Lysine to Arginine. This variant has been observed in at least one proband affected with hypophosphatasia (PMID:29236161;17922851). It has been observed in trans with a pathogenic variant (PMID:17922851). At least one splicing study identified that this variant results in aberrant splicing (PMID:17922851). In conclusion, we classify ALPL p.Lys264Arg (c.791A>G) as a likely pathogenic variant.

Fulgent Genetics
Classification: Likely pathogenic for Adult hypophosphatasia; Infantile hypophosphatasia; Childhood hypophosphatasia. Last evaluated: 2024-04-02. Review status: criteria provided, single submitter. Criteria: ACMG Guidelines, 2015. Collection method: clinical testing. Allele origin: germline.

Baylor Genetics
Classification: Likely pathogenic for Adult hypophosphatasia. Last evaluated: 2023-12-03. Review status: criteria provided, single submitter. Criteria: ACMG Guidelines, 2015. Collection method: clinical testing. Allele origin: unknown.

Women's Health and Genetics/Laboratory Corporation of America, LabCorp
Classification: Likely pathogenic for Hypophosphatasia. Last evaluated: 2020-10-03. Review status: criteria provided, single submitter. Criteria: LabCorp Variant Classification Summary - May 2015. Collection method: clinical testing. Allele origin: germline.
Comment: Variant summary: ALPL c.791A>G (p.Lys264Arg) located in the exonic-splice region of exon 7 results in a conservative amino acid change in the encoded protein sequence. Three of five in-silico tools predict a damaging effect of the variant on protein function. Several computational tools predict a significant impact on normal splicing: Four predict the variant abolishes a 5' splicing donor site. At least one publication reports experimental evidence that this variant affects mRNA splicing leading to a complete skipping of exon 7 (Brun-Heath_2007). The variant was absent in 251140 control chromosomes. These data indicate that the variant may be associated with disease. No clinical diagnostic laboratories have submitted clinical-significance assessments for this variant to ClinVar after 2014. Based on the evidence outlined above, the variant was classified as likely pathogenic.

Counsyl
Classification: Likely pathogenic for Infantile hypophosphatasia. Last evaluated: 2014-04-09. Review status: no assertion criteria provided. Collection method: literature only. Allele origin: unknown. Inheritance: Autosomal recessive inheritance. Not counted in ClinVar's aggregate classification.

Literature cited by the submitters: PubMed 17922851 (cited by 4 submitters); PubMed 29236161 (cited by Genomenon, Inc and Women's Health and Genetics/Laboratory Corporation of America, LabCorp); PubMed 25023282 (cited by Women's Health and Genetics/Laboratory Corporation of America, LabCorp); PubMed 18328985 (cited by Women's Health and Genetics/Laboratory Corporation of America, LabCorp).